The following is an entry in ClinVar:

NM_172107.4(KCNQ2):c.844G>C (p.Asp282His)

Gene: KCNQ2 (potassium voltage-gated channel subfamily Q member 2; minus strand). Cytogenetic location: 20q13.33.
Variant type: single nucleotide variant.
Coding change: c.844G>C on transcript NM_172107.4 (MANE Select); coding-DNA position 844, G replaced by C.
Protein change: p.Asp282His; replaces aspartic acid 282 with histidine.
Molecular consequence: missense variant.
Genome position (GRCh38, 1-based): chr20:63,439,681, C>G on the plus strand (G>C on the coding strand, the complement: KCNQ2 is on the minus strand). VCF-style: chr20-63439681-C-G. GRCh37 (hg19) VCF-style: chr20-62071034-C-G.
Other names: c.844G>C, p.Asp282His (NM_004518.6, NM_172106.3, NM_172108.5 and 1 more transcripts); short protein forms D282H.
Identifiers: ClinVar variation 430396 (VCV000430396.17), dbSNP rs796052636, ClinGen allele CA409652684.
Genomic context (GRCh38, chr20:63,439,681, plus strand): 5'-CACCGATGAGGGTGAAGGTTGCCGCAAGGAGCCTGCCGTTCCAGGTCTGGGGGTACTTGT[C>G]CCCGTAGCCAATGGTGGTCAGCGTGATCTGTGGGACCGCAGGCTCTAGTCACACGAAGGG-3'
Protein context (NP_742105.1, residues 272-292): LITLTTIGYG[Asp282His]KYPQTWNGRL

ClinVar aggregate classification (germline): Pathogenic/Likely pathogenic. Review status: criteria provided, multiple submitters, no conflicts (2 of 4 stars). 2 submissions from 2 submitters: Pathogenic (1); Likely pathogenic (1). Last evaluated 2023-12-22.

Conditions:
Early-infantile DEE. Also called: Early infantile epileptic encephalopathy; Ohtahara syndrome; Early infantile epileptic encephalopathy with suppression bursts. Identifiers: Orphanet 1934, MedGen C0393706, MONDO:0800491.

Submissions (8):

GeneDx
Classification: Pathogenic. Last evaluated: 2023-12-22. Review status: criteria provided, single submitter. Criteria: GeneDx Variant Classification Process June 2021. Collection method: clinical testing. Allele origin: germline. Affected: yes.
Comment: Not observed at significant frequency in large population cohorts (gnomAD); Missense variants in this gene are a common cause of disease and they are underrepresented in the general population; In silico analysis supports that this missense variant has a deleterious effect on protein structure/function; This variant is associated with the following publications: (PMID: 29655203, 31164858, 28133863, 27602407)

Labcorp Genetics (formerly Invitae), Labcorp
Classification: Likely pathogenic for Early-infantile DEE. Last evaluated: 2022-11-29. Review status: criteria provided, single submitter. Criteria: Invitae Variant Classification Sherloc (09022015). Collection method: clinical testing. Allele origin: germline.
Comment: In summary, the currently available evidence indicates that the variant is pathogenic, but additional data are needed to prove that conclusively. Therefore, this variant has been classified as Likely Pathogenic. This variant disrupts the p.Arg282 amino acid residue in KCNQ2. Other variant(s) that disrupt this residue have been determined to be pathogenic (PMID: 25533962, 28133863). This suggests that this residue is clinically significant, and that variants that disrupt this residue are likely to be disease-causing. Advanced modeling of protein sequence and biophysical properties (such as structural, functional, and spatial information, amino acid conservation, physicochemical variation, residue mobility, and thermodynamic stability) performed at Invitae indicates that this missense variant is expected to disrupt KCNQ2 protein function. ClinVar contains an entry for this variant (Variation ID: 430396). This missense change has been observed in individual(s) with epilepsy and/or a neurodevelopmental disorder (PMID: 29655203). This variant is not present in population databases (gnomAD no frequency). This sequence change replaces aspartic acid, which is acidic and polar, with histidine, which is basic and polar, at codon 282 of the KCNQ2 protein (p.Asp282His).

Channelopathy-Associated Epilepsy Research Center
No classification provided (evidence only). Condition: Complex neurodevelopmental disorder. Review status: no classification provided. Collection method: literature only. Allele origin: not applicable. Functional consequence: Severe decrease in peak current, Severe slowing of activation, Normal voltage dependence of activation. Not counted in ClinVar's aggregate classification.
ClinVar note: "not provided" was previously submitted as the classification for the variant. However, the classification appeared to be based only on an observation of functional data so it was converted to no classification on 2025-07-30.

Channelopathy-Associated Epilepsy Research Center
No classification provided (evidence only). Review status: no classification provided. Collection method: in vitro. Allele origin: not applicable. Functional consequence: Decrease in peak current. Not counted in ClinVar's aggregate classification.

Channelopathy-Associated Epilepsy Research Center
No classification provided (evidence only). Review status: no classification provided. Collection method: in vitro. Allele origin: not applicable. Functional consequence: Decrease in peak current. Not counted in ClinVar's aggregate classification.

Channelopathy-Associated Epilepsy Research Center
No classification provided (evidence only). Review status: no classification provided. Collection method: in vitro. Allele origin: not applicable. Functional consequence: Normal voltage dependence of activation. Not counted in ClinVar's aggregate classification.

Channelopathy-Associated Epilepsy Research Center
No classification provided (evidence only). Review status: no classification provided. Collection method: in vitro. Allele origin: not applicable. Functional consequence: Increase in slope of activation. Not counted in ClinVar's aggregate classification.

Channelopathy-Associated Epilepsy Research Center
No classification provided (evidence only). Review status: no classification provided. Collection method: in vitro. Allele origin: not applicable. Functional consequence: Slowing of activation. Not counted in ClinVar's aggregate classification.

Literature cited by the submitters: PubMed 25533962 (cited by Labcorp Genetics (formerly Invitae), Labcorp); PubMed 28133863 (cited by Labcorp Genetics (formerly Invitae), Labcorp); PubMed 29655203 (cited by Labcorp Genetics (formerly Invitae), Labcorp); PubMed 35104249 (cited by Channelopathy-Associated Epilepsy Research Center).